The following is an entry in ClinVar:

ClinVar aggregate classification (germline): Uncertain significance (1 of 4 stars; one submission).

Submission:

GeneDx
Classification: Uncertain significance. Last evaluated: 2020-02-06. Review status: criteria provided, single submitter. Criteria: GeneDx Variant Classification Process June 2021. Collection method: clinical testing. Allele origin: germline. Affected: yes.
Comment: Not observed in large population cohorts (Lek et al., 2016); In silico analysis supports that this missense variant has a deleterious effect on protein structure/function; Has not been previously published as pathogenic or benign to our knowledge

NM_000158.4(GBE1):c.1388C>G (p.Thr463Arg)

Gene: GBE1 (1,4-alpha-glucan branching enzyme 1; minus strand). Cytogenetic location: 3p12.2.
Variant type: single nucleotide variant.
Coding change: c.1388C>G on transcript NM_000158.4 (MANE Select); coding-DNA position 1388, C replaced by G.
Protein change: p.Thr463Arg; replaces threonine 463 with arginine.
Molecular consequence: missense variant.
Genome position (GRCh38, 1-based): chr3:81,581,223, G>C on the plus strand (C>G on the coding strand, the complement: GBE1 is on the minus strand). VCF-style: chr3-81581223-G-C. GRCh37 (hg19) VCF-style: chr3-81630374-G-C.
Other names: short protein forms T463R.
Identifiers: ClinVar variation 1311666 (VCV001311666.2), dbSNP rs200580762, ClinGen allele CA353685063.
Genomic context (GRCh38, chr3:81,581,223, plus strand): 5'-ACCTGATCATGGCTCTCTGCATAAGCAATGCACTTTTCAAGGTAGCGCCTGTTTGTGAGC[G>C]TGTATACTATATCGCCCATGTTCCAGTCTTCATCTTTAAACTCTTTAAGTAGCTAGACAC-3'
Protein context (NP_000149.4, residues 453-473): EDWNMGDIVY[Thr463Arg]LTNRRYLEKC